The following is an entry in ClinVar:

NM_017534.6(MYH2):c.4829A>T (p.Glu1610Val)

Genes: MYHAS (myosin heavy chain gene cluster antisense RNA; plus strand), MYH2 (myosin heavy chain 2; minus strand), LOC126862500 (BRD4-independent group 4 enhancer GRCh37_chr17:10427829-10429028; plus strand). Cytogenetic location: 17p13.1.
Variant type: single nucleotide variant.
Coding change: c.4829A>T on transcript NM_017534.6 (MANE Select); coding-DNA position 4829, A replaced by T.
Protein change: p.Glu1610Val; replaces glutamic acid 1610 with valine.
Molecular consequence: missense variant.
Genome position (GRCh38, 1-based): chr17:10,524,899, T>A on the plus strand (A>T on the coding strand, the complement: MYH2 is on the minus strand). VCF-style: chr17-10524899-T-A. GRCh37 (hg19) VCF-style: chr17-10428216-T-A.
Other names: c.4829A>T, p.Glu1610Val (NM_001100112.2); short protein forms E1610V.
Identifiers: ClinVar variation 1493829 (VCV001493829.8), dbSNP rs2142292645, ClinGen allele CA398121486.

ClinVar aggregate classification (germline): Uncertain significance (1 of 4 stars; one submission).

Conditions:
Myopathy, proximal, and ophthalmoplegia (CMYO6). Also called: CONGENITAL MYOPATHY 6 WITH OPHTHALMOPLEGIA; MYOPATHY WITH CONGENITAL JOINT CONTRACTURES, OPHTHALMOPLEGIA, AND RIMMED VACUOLES; INCLUSION BODY MYOPATHY 3, AUTOSOMAL DOMINANT. Identifiers: Orphanet 363677, Orphanet 79091, MedGen C1854106, MONDO:0011577, OMIM 605637.

Submission:

Labcorp Genetics (formerly Invitae), Labcorp
Classification: Uncertain significance for Myopathy, proximal, and ophthalmoplegia. Last evaluated: 2020-12-28. Review status: criteria provided, single submitter. Criteria: Invitae Variant Classification Sherloc (09022015). Collection method: clinical testing. Allele origin: germline.
Comment: In summary, the available evidence is currently insufficient to determine the role of this variant in disease. Therefore, it has been classified as a Variant of Uncertain Significance. Algorithms developed to predict the effect of missense changes on protein structure and function (SIFT, PolyPhen-2, Align-GVGD) all suggest that this variant is likely to be disruptive, but these predictions have not been confirmed by published functional studies and their clinical significance is uncertain. This variant has not been reported in the literature in individuals with MYH2-related conditions. This variant is not present in population databases (ExAC no frequency). This sequence change replaces glutamic acid with valine at codon 1610 of the MYH2 protein (p.Glu1610Val). The glutamic acid residue is highly conserved and there is a moderate physicochemical difference between glutamic acid and valine.